The following is an entry in ClinVar:

ClinVar aggregate classification (germline): Uncertain significance. Review status: criteria provided, multiple submitters, no conflicts (2 of 4 stars). 3 submissions from 3 submitters: Uncertain significance (3). Last evaluated 2026-05-20.

Conditions:
Cardiovascular phenotype. Identifiers: MedGen CN230736.

Allele frequency attached by ClinVar (database versions not stated): gnomAD exomes below 0.00001.
gnomAD v4.1: 1 of 1,613,704 alleles (0.000062%); highest among the groups gnomAD compares: Non-Finnish European, 0.000085%; no homozygotes.

Submissions (3):

Ambry Genetics
Classification: Uncertain significance for Cardiovascular phenotype. Last evaluated: 2026-05-20. Review status: criteria provided, single submitter. Criteria: Ambry Variant Classification Scheme 2023. Collection method: clinical testing. Allele origin: germline.

Women's Health and Genetics/Laboratory Corporation of America, LabCorp
Classification: Uncertain significance. Last evaluated: 2025-09-14. Review status: criteria provided, single submitter. Criteria: LabCorp Variant Classification Summary - May 2015. Collection method: clinical testing. Allele origin: germline.

ARUP Laboratories, Molecular Genetics and Genomics, ARUP Laboratories
Classification: Uncertain significance. Last evaluated: 2023-08-31. Review status: criteria provided, single submitter. Criteria: ARUP Molecular Germline Variant Investigation Process 2024. Collection method: clinical testing. Allele origin: germline.
Comment: The NEXN c.1522A>T; p.Thr508Ser variant, to our knowledge, is not reported in the medical literature or gene specific databases. This variant is also absent from general population databases (Exome Variant Server, Genome Aggregation Database), indicating it is not a common polymorphism. Computational analyses predict that this variant is neutral (REVEL: 0.054). Due to limited information, the clinical significance of the p.Thr508Ser variant is uncertain at this time.

NM_144573.4(NEXN):c.1522A>T (p.Thr508Ser)

Gene: NEXN (nexilin F-actin binding protein; plus strand). Cytogenetic location: 1p31.1.
Variant type: single nucleotide variant.
Coding change: c.1522A>T on transcript NM_144573.4 (MANE Select); coding-DNA position 1522, A replaced by T.
Protein change: p.Thr508Ser; replaces threonine 508 with serine.
Molecular consequence: missense variant.
Genome position (GRCh38, 1-based): chr1:77,942,071, A>T. VCF-style: chr1-77942071-A-T. GRCh37 (hg19) VCF-style: chr1-78407756-A-T.
Other names: c.1330A>T, p.Thr444Ser (NM_001172309.2); short protein forms T444S, T508S.
Identifiers: ClinVar variation 2921017 (VCV002921017.3), dbSNP rs2523301613, ClinGen allele CA340880870.